The following is an entry in ClinVar:

NM_001292063.2(OTOG):c.879C>T (p.Asp293=)

Gene: OTOG (otogelin; plus strand). Cytogenetic location: 11p15.1.
Variant type: single nucleotide variant.
Coding change: c.879C>T on transcript NM_001292063.2 (MANE Select); coding-DNA position 879, C replaced by T.
Protein change: p.Asp293=; no amino-acid change (aspartic acid 293 retained).
Molecular consequence: synonymous variant.
Genome position (GRCh38, 1-based): chr11:17,558,198, C>T. VCF-style: chr11-17558198-C-T. GRCh37 (hg19) VCF-style: chr11-17579745-C-T.
Other names: c.915C>T, p.Asp305= (NM_001277269.2).
Identifiers: ClinVar variation 504778 (VCV000504778.17), dbSNP rs144220847, ClinGen allele CA5905412.

ClinVar aggregate classification (germline): Likely benign. Review status: criteria provided, multiple submitters, no conflicts (2 of 4 stars). 4 submissions from 4 submitters: Likely benign (3). 1 of the submissions does not count toward it. Last evaluated 2025-04-01.

Conditions:
OTOG-related disorder. Also called: OTOG-related condition.

Allele frequency attached by ClinVar (database versions not stated): ExAC 0.00018; 1000 Genomes Project 30x 0.00047; gnomAD 0.00058 and 0.00063; 1000 Genomes Project 0.00060; TOPMed 0.00062.
gnomAD v4.1: 158 of 1,550,580 alleles (0.01%); highest among the groups gnomAD compares: African/African-American, 0.18%; no homozygotes.

Submissions (4):

Labcorp Genetics (formerly Invitae), Labcorp
Classification: Likely benign. Last evaluated: 2025-04-01. Review status: criteria provided, single submitter. Criteria: Invitae Variant Classification Sherloc (09022015). Collection method: clinical testing. Allele origin: germline.

GeneDx
Classification: Likely benign. Last evaluated: 2021-02-24. Review status: criteria provided, single submitter. Criteria: GeneDx Variant Classification Process June 2021. Collection method: clinical testing. Allele origin: germline. Affected: yes.

Laboratory for Molecular Medicine, Mass General Brigham Personalized Medicine
Classification: Likely benign. Last evaluated: 2016-06-02. Review status: criteria provided, single submitter. Criteria: LMM Criteria. Collection method: clinical testing. Allele origin: germline. Observed: 1 variant allele.
Comment: p.Asp305Asp in exon 8 of OTOG: This variant is not expected to have clinical sig nificance because it does not alter an amino acid residue and is not located wit hin the splice consensus sequence. It has been identified in 1.0% (2/194) of Luh ya (Kenyan) chromosomes by the 1000 Genomes Project (/projects/SNP; dbSNP rs144220847) and in 0.3% (3/876) African chromosomes by the Exome Aggregation Consortium (ExAC).

PreventionGenetics, part of Exact Sciences
Classification: Likely benign for OTOG-related condition. Last evaluated: 2024-07-15. Review status: no assertion criteria provided. Collection method: clinical testing. Allele origin: germline. Not counted in ClinVar's aggregate classification.
Comment: This variant is classified as likely benign based on ACMG/AMP sequence variant interpretation guidelines (Richards et al. 2015 PMID: 25741868, with internal and published modifications).